The following is an entry in ClinVar:

ClinVar aggregate classification (germline): Uncertain significance (1 of 4 stars; one submission).

Conditions:
Familial adenomatous polyposis 1 (FAP1). Also called: POLYPOSIS, ADENOMATOUS INTESTINAL; FAMILIAL ADENOMATOUS POLYPOSIS 1, ATTENUATED. Identifiers: MedGen C2713442, MONDO:0021056, OMIM 175100. Disease mechanism: loss of function.

Submission:

Labcorp Genetics (formerly Invitae), Labcorp
Classification: Uncertain significance for Familial adenomatous polyposis 1. Last evaluated: 2023-10-07. Review status: criteria provided, single submitter. Criteria: Invitae Variant Classification Sherloc (09022015). Collection method: clinical testing. Allele origin: germline.
Comment: This sequence change replaces glutamine, which is neutral and polar, with histidine, which is basic and polar, at codon 1193 of the APC protein (p.Gln1193His). This variant is not present in population databases (gnomAD no frequency). This variant has not been reported in the literature in individuals affected with APC-related conditions. Advanced modeling of protein sequence and biophysical properties (such as structural, functional, and spatial information, amino acid conservation, physicochemical variation, residue mobility, and thermodynamic stability) performed at Invitae indicates that this missense variant is not expected to disrupt APC protein function. In summary, the available evidence is currently insufficient to determine the role of this variant in disease. Therefore, it has been classified as a Variant of Uncertain Significance.

NM_000038.6(APC):c.3579G>T (p.Gln1193His)

Gene: APC (APC regulator of Wnt signaling pathway; plus strand). Cytogenetic location: 5q22.2.
Variant type: single nucleotide variant.
Coding change: c.3579G>T on transcript NM_000038.6 (MANE Select); coding-DNA position 3579, G replaced by T.
Protein change: p.Gln1193His; replaces glutamine 1193 with histidine.
Molecular consequence: missense variant. On other transcripts: non-coding transcript variant (2).
Genome position (GRCh38, 1-based): chr5:112,839,173, G>T. VCF-style: chr5-112839173-G-T. GRCh37 (hg19) VCF-style: chr5-112174870-G-T.
Other names: c.3579G>T, p.Gln1193His (NM_001354895.2, NM_001127510.3, NM_001407450.1); c.3633G>T, p.Gln1211His (NM_001354896.2, NM_001407447.1, NM_001407448.1 and 1 more transcripts); c.3609G>T, p.Gln1203His (NM_001354897.2); c.3504G>T, p.Gln1168His (NM_001354898.2); c.3525G>T, p.Gln1175His (NM_001127511.3); c.3495G>T, p.Gln1165His (NM_001354899.2); c.3456G>T, p.Gln1152His (NM_001354900.2); c.3402G>T, p.Gln1134His (NM_001354901.2, NM_001407453.1); and 11 more; short protein forms Q1092H, Q1152H, Q1165H, Q1186H, Q1211H, Q1033H, Q1134H, Q1168H.
Identifiers: ClinVar variation 2766632 (VCV002766632.3), dbSNP rs2149894835, ClinGen allele CA16029196.